The following is an entry in ClinVar:

ClinVar aggregate classification (germline): Uncertain significance (1 of 4 stars; one submission).

Conditions:
Familial adenomatous polyposis 1 (FAP1). Also called: FAMILIAL ADENOMATOUS POLYPOSIS 1, ATTENUATED; POLYPOSIS, ADENOMATOUS INTESTINAL. Identifiers: MedGen C2713442, MONDO:0021056, OMIM 175100. Disease mechanism: loss of function.

Submission:

Labcorp Genetics (formerly Invitae), Labcorp
Classification: Uncertain significance for Familial adenomatous polyposis 1. Last evaluated: 2022-05-22. Review status: criteria provided, single submitter. Criteria: Invitae Variant Classification Sherloc (09022015). Collection method: clinical testing. Allele origin: germline.
Comment: In summary, the available evidence is currently insufficient to determine the role of this variant in disease. Therefore, it has been classified as a Variant of Uncertain Significance. Algorithms developed to predict the effect of missense changes on protein structure and function are either unavailable or do not agree on the potential impact of this missense change (SIFT: "Deleterious"; PolyPhen-2: "Benign"; Align-GVGD: "Class C0"). This variant has not been reported in the literature in individuals affected with APC-related conditions. This variant is not present in population databases (gnomAD no frequency). This sequence change replaces asparagine, which is neutral and polar, with tyrosine, which is neutral and polar, at codon 944 of the APC protein (p.Asn944Tyr).

NM_000038.6(APC):c.2830A>T (p.Asn944Tyr)

Gene: APC (APC regulator of Wnt signaling pathway; plus strand). Cytogenetic location: 5q22.2.
Variant type: single nucleotide variant.
Coding change: c.2830A>T on transcript NM_000038.6 (MANE Select); coding-DNA position 2830, A replaced by T.
Protein change: p.Asn944Tyr; replaces asparagine 944 with tyrosine.
Molecular consequence: missense variant.
Genome position (GRCh38, 1-based): chr5:112,838,424, A>T. VCF-style: chr5-112838424-A-T. GRCh37 (hg19) VCF-style: chr5-112174121-A-T.
Other names: c.2830A>T, p.Asn944Tyr (NM_001127510.3, NM_001354895.2, NM_001407450.1); c.2776A>T, p.Asn926Tyr (NM_001127511.3); c.2884A>T, p.Asn962Tyr (NM_001354896.2, NM_001407447.1, NM_001407448.1 and 1 more transcripts); c.2860A>T, p.Asn954Tyr (NM_001354897.2); c.2755A>T, p.Asn919Tyr (NM_001354898.2); c.2746A>T, p.Asn916Tyr (NM_001354899.2); c.2707A>T, p.Asn903Tyr (NM_001354900.2); c.2653A>T, p.Asn885Tyr (NM_001354901.2, NM_001407453.1); and 11 more; short protein forms N784Y, N861Y, N954Y, N560Y, N818Y, N903Y, N919Y, N934Y.
Identifiers: ClinVar variation 1946851 (VCV001946851.5), dbSNP rs749720558, ClinGen allele CA16027504.